The following is an entry in ClinVar:

ClinVar aggregate classification (germline): Uncertain significance. Review status: criteria provided, multiple submitters, no conflicts (2 of 4 stars). 2 submissions from 2 submitters: Uncertain significance (2). Last evaluated 2025-02-24.

Conditions:
Inborn genetic diseases. Identifiers: MedGen C0950123, MeSH D030342.
Immunodeficiency, common variable, 10. Also called: IMMUNODEFICIENCY, COMMON VARIABLE, WITH CENTRAL ADRENAL INSUFFICIENCY; DEFICIT IN ANTERIOR PITUITARY FUNCTION AND VARIABLE IMMUNODEFICIENCY. Identifiers: MedGen C3809991, MONDO:0014260, OMIM 615577.

Allele frequency attached by ClinVar (database versions not stated): gnomAD exomes 0.00001; gnomAD 0.00004; TOPMed 0.00004.
gnomAD v4.1: 10 of 1,545,508 alleles (0.00065%); highest among the groups gnomAD compares: African/African-American, 0.012%; no homozygotes.

Submissions (2):

Ambry Genetics
Classification: Uncertain significance for Inborn genetic diseases. Last evaluated: 2025-02-24. Review status: criteria provided, single submitter. Criteria: Ambry Variant Classification Scheme 2023. Collection method: clinical testing. Allele origin: germline.

Labcorp Genetics (formerly Invitae), Labcorp
Classification: Uncertain significance for Immunodeficiency, common variable, 10. Last evaluated: 2022-12-04. Review status: criteria provided, single submitter. Criteria: Invitae Variant Classification Sherloc (09022015). Collection method: clinical testing. Allele origin: germline.
Comment: In summary, the available evidence is currently insufficient to determine the role of this variant in disease. Therefore, it has been classified as a Variant of Uncertain Significance. Algorithms developed to predict the effect of missense changes on protein structure and function output the following: SIFT: "Tolerated"; PolyPhen-2: "Benign"; Align-GVGD: "Class C0". The glutamine amino acid residue is found in multiple mammalian species, which suggests that this missense change does not adversely affect protein function. This variant has not been reported in the literature in individuals affected with NFKB2-related conditions. The frequency data for this variant in the population databases is considered unreliable, as metrics indicate poor data quality at this position in the gnomAD database. This sequence change replaces arginine, which is basic and polar, with glutamine, which is neutral and polar, at codon 459 of the NFKB2 protein (p.Arg459Gln).

NM_001322934.2(NFKB2):c.1376G>A (p.Arg459Gln)

Gene: NFKB2 (nuclear factor kappa B subunit 2; plus strand). Cytogenetic location: 10q24.32.
Variant type: single nucleotide variant.
Coding change: c.1376G>A on transcript NM_001322934.2 (MANE Select); coding-DNA position 1376, G replaced by A.
Protein change: p.Arg459Gln; replaces arginine 459 with glutamine.
Molecular consequence: missense variant.
Genome position (GRCh38, 1-based): chr10:102,399,625, G>A. VCF-style: chr10-102399625-G-A. GRCh37 (hg19) VCF-style: chr10-104159382-G-A.
Other names: c.1376G>A, p.Arg459Gln (NM_001077493.1, NM_001077494.3, NM_001261403.3 and 2 more transcripts); c.1250G>A, p.Arg417Gln (NM_001322935.1); c.1376G>A (NM_001077494.1); short protein forms R459Q, R417Q.
Identifiers: ClinVar variation 2712702 (VCV002712702.4), dbSNP rs944458269, ClinGen allele CA212215956.